The following is an entry in ClinVar:

ClinVar aggregate classification (germline): Pathogenic (1 of 4 stars; one submission).

Allele frequency attached by ClinVar (database versions not stated): gnomAD exomes below 0.00001 and 0.00001; TOPMed below 0.00001; ExAC 0.00001; gnomAD 0.00001; ESP Exome Variant Server 0.00008.

Submission:

Labcorp Genetics (formerly Invitae), Labcorp
Classification: Pathogenic. Last evaluated: 2024-11-16. Review status: criteria provided, single submitter. Criteria: Invitae Variant Classification Sherloc (09022015). Collection method: clinical testing. Allele origin: germline.
Comment: This sequence change creates a premature translational stop signal (p.Leu1107Argfs*23) in the RBP3 gene. While this is not anticipated to result in nonsense mediated decay, it is expected to disrupt the last 141 amino acid(s) of the RBP3 protein. This variant is present in population databases (rs782492315, gnomAD 0.002%). This variant has not been reported in the literature in individuals affected with RBP3-related conditions. ClinVar contains an entry for this variant (Variation ID: 1071789). This variant disrupts a region of the RBP3 protein in which other variant(s) (p.Ser1118Cysfs*3) have been determined to be pathogenic (PMID: 28418496). This suggests that this is a clinically significant region of the protein, and that variants that disrupt it are likely to be disease-causing. For these reasons, this variant has been classified as Pathogenic.

Literature cited by the submitters: PubMed 28418496.

NM_002900.3(RBP3):c.3320del (p.Leu1107fs)

Gene: RBP3 (retinol binding protein 3; plus strand). Cytogenetic location: 10q11.22.
Variant type: Deletion.
Coding change: c.3320del on transcript NM_002900.3 (MANE Select); coding-DNA position 3320, one base deleted (T; older notation c.3320delT).
Protein change: p.Leu1107fs; shifts the reading frame from leucine 1107.
Molecular consequence: frameshift variant.
Genome position (GRCh38, 1-based): chr10:47,355,450, T deleted. VCF-style (leftmost placement, unchanged base first): chr10-47355449-CT-C. GRCh37 (hg19) VCF-style: chr10-48383911-CA-C.
Other names: short protein forms L1107fs.
Identifiers: ClinVar variation 1071789 (VCV001071789.9), dbSNP rs782492315, ClinGen allele CA5487079.